The following is an entry in ClinVar:

ClinVar aggregate classification (germline): Likely benign. Review status: criteria provided, multiple submitters, no conflicts (2 of 4 stars). 3 submissions from 3 submitters: Likely benign (3). Last evaluated 2025-11-06.

Conditions:
Fanconi anemia (FA). Also called: Fanconi's anemia. Identifiers: Orphanet 84, MedGen C0015625, MeSH D005199, MONDO:0019391.
Fanconi anemia complementation group D2. Also called: FANCD2-Related Fanconi Anemia; FANCONI PANCYTOPENIA, TYPE 4; FANCONI ANEMIA, COMPLEMENTATION GROUP D. Identifiers: Orphanet 84, MedGen C3160738, MONDO:0009214, OMIM 227646.

Allele frequency attached by ClinVar (database versions not stated): gnomAD exomes 0.00001 and 0.00002; TOPMed 0.00001; 1000 Genomes Project 0.00040; gnomAD 0.00001 and 0.00003; 1000 Genomes Project 30x 0.00047; ExAC 0.00006.
gnomAD v4.1: 15 of 1,612,890 alleles (0.00093%); highest among the groups gnomAD compares: Admixed American, 0.022%; no homozygotes.

Submissions (3):

Labcorp Genetics (formerly Invitae), Labcorp
Classification: Likely benign for Fanconi anemia. Last evaluated: 2025-11-06. Review status: criteria provided, single submitter. Criteria: Invitae Variant Classification Sherloc (09022015). Collection method: clinical testing. Allele origin: germline.

CeGaT Center for Human Genetics Tuebingen
Classification: Likely benign. Last evaluated: 2025-02-01. Review status: criteria provided, single submitter. Criteria: CeGaT Center For Human Genetics Tuebingen Variant Classification Criteria Version 2. Collection method: clinical testing. Allele origin: germline. Affected: yes. Observed: 1 variant allele.
Comment: FANCD2: BP4, BP7

Fulgent Genetics
Classification: Likely benign for Fanconi anemia complementation group D2. Last evaluated: 2022-05-14. Review status: criteria provided, single submitter. Criteria: ACMG Guidelines, 2015. Collection method: clinical testing. Allele origin: unknown.

NM_001018115.3(FANCD2):c.3459A>G (p.Glu1153=)

Genes: FANCD2 (FA complementation group D2; plus strand), FANCD2OS (FANCD2 opposite strand; minus strand). Cytogenetic location: 3p25.3.
Variant type: single nucleotide variant.
Coding change: c.3459A>G on transcript NM_001018115.3 (MANE Select); coding-DNA position 3459, A replaced by G.
Protein change: p.Glu1153=; no amino-acid change (glutamic acid 1153 retained).
Molecular consequence: synonymous variant. On other transcripts: intron variant (1).
Genome position (GRCh38, 1-based): chr3:10,087,257, A>G. VCF-style: chr3-10087257-A-G. GRCh37 (hg19) VCF-style: chr3-10128941-A-G.
Other names: c.3459A>G, p.Glu1153= (NM_001319984.2, NM_001374254.1, NM_033084.6); c.3348A>G, p.Glu1116= (NM_001374253.1); c.*44-5726T>C (NM_173472.2).
Identifiers: ClinVar variation 699708 (VCV000699708.25), dbSNP rs570459552, ClinGen allele CA2250382.